The following is an entry in ClinVar:

ClinVar aggregate classification (germline): Uncertain significance. Review status: criteria provided, multiple submitters, no conflicts (2 of 4 stars). 2 submissions from 2 submitters: Uncertain significance (2). Last evaluated 2025-04-11.

Conditions:
Dilated cardiomyopathy 1JJ (CMD1JJ). Identifiers: Orphanet 154, MedGen C3808935, MONDO:0014095, OMIM 615235.

Allele frequency attached by ClinVar (database versions not stated): gnomAD exomes below 0.00001.

Submissions (2):

Labcorp Genetics (formerly Invitae), Labcorp
Classification: Uncertain significance for Dilated cardiomyopathy 1JJ. Last evaluated: 2025-04-11. Review status: criteria provided, single submitter. Criteria: Invitae Variant Classification Sherloc (09022015). Collection method: clinical testing. Allele origin: germline.
Comment: This sequence change creates a premature translational stop signal (p.Ala696*) in the LAMA4 gene. It is expected to result in an absent or disrupted protein product. However, the current clinical and genetic evidence is not sufficient to establish whether loss-of-function variants in LAMA4 cause disease. This variant is present in population databases (no rsID available, gnomAD 0.0009%). This variant has not been reported in the literature in individuals affected with LAMA4-related conditions. ClinVar contains an entry for this variant (Variation ID: 1677616). In summary, the available evidence is currently insufficient to determine the role of this variant in disease. Therefore, it has been classified as a Variant of Uncertain Significance.

AiLife Diagnostics
Classification: Uncertain significance. Last evaluated: 2021-11-08. Review status: criteria provided, single submitter. Criteria: ACMG Guidelines, 2015. Collection method: clinical testing. Allele origin: germline. Affected: yes. Observed: 1 variant allele.

NM_001105206.3(LAMA4):c.2105_2106dup (p.Ala703Ter)

Gene: LAMA4 (laminin subunit alpha 4; minus strand). Cytogenetic location: 6q21.
Variant type: Duplication.
Coding change: c.2105_2106dup on transcript NM_001105206.3 (MANE Select); coding-DNA positions 2105 to 2106, 2 bases duplicated (TA; older notation c.2105_2106dupTA).
Protein change: p.Ala703Ter; replaces alanine 703 with a stop codon.
Molecular consequence: nonsense.
Genome position (GRCh38, 1-based): chr6:112,150,578-112,150,579, TA duplicated on the plus strand (TA on the coding strand, the reverse complement: LAMA4 is on the minus strand). VCF-style (leftmost placement, unchanged base first): chr6-112150577-C-CTA. GRCh37 (hg19) VCF-style: chr6-112471779-C-CTA.
Other names: c.2084_2085dup, p.Ala696Ter (NM_001105207.3, NM_002290.5); short protein forms A696*, A703*.
Identifiers: ClinVar variation 1677616 (VCV001677616.2), dbSNP rs1562665452, ClinGen allele CA569671042.